The following is an entry in ClinVar:

ClinVar aggregate classification (germline): Benign/Likely benign. Review status: criteria provided, multiple submitters, no conflicts (2 of 4 stars). 3 submissions from 3 submitters: Benign (1); Likely benign (2). Last evaluated 2025-10-12.

Conditions:
Pheochromocytoma/paraganglioma syndrome 5. Also called: Paragangliomas 5; SDHA-Related Hereditary Paraganglioma-Pheochromocytoma Syndrome. Identifiers: Orphanet 29072, MedGen C3279992, MONDO:0013602, OMIM 614165.
Mitochondrial complex II deficiency, nuclear type 1. Also called: SUCCINATE CoQ REDUCTASE DEFICIENCY. Identifiers: Orphanet 3208, MedGen C5700310, MONDO:0100294, OMIM 252011.
Hereditary cancer-predisposing syndrome. Also called: Tumor predisposition; Neoplastic Syndromes, Hereditary; Hereditary neoplastic syndrome; Hereditary Cancer Syndrome. Identifiers: Orphanet 140162, MedGen C0027672, MeSH D009386, MONDO:0015356.

gnomAD v4.1: 8 of 1,598,692 alleles (0.0005%); highest among the groups gnomAD compares: Non-Finnish European, 0.00069%; no homozygotes.

Submissions (3):

Labcorp Genetics (formerly Invitae), Labcorp
Classification: Likely benign for Pheochromocytoma/paraganglioma syndrome 5; Mitochondrial complex II deficiency, nuclear type 1. Last evaluated: 2025-10-12. Review status: criteria provided, single submitter. Criteria: Invitae Variant Classification Sherloc (09022015). Collection method: clinical testing. Allele origin: germline.

Ambry Genetics
Classification: Likely benign for Hereditary cancer-predisposing syndrome. Last evaluated: 2025-03-19. Review status: criteria provided, single submitter. Criteria: Ambry Variant Classification Scheme 2023. Collection method: clinical testing. Allele origin: germline.

Myriad Genetics, Inc.
Classification: Benign for Pheochromocytoma/paraganglioma syndrome 5. Last evaluated: 2025-03-10. Review status: criteria provided, single submitter. Criteria: Myriad Autosomal Dominant, Autosomal Recessive and X-Linked Classification Criteria (2023). Collection method: clinical testing. Allele origin: unknown.
Comment: This variant is considered benign. This variant is a silent/synonymous amino acid change and it is not expected to impact splicing.

NM_004168.4(SDHA):c.1371C>T (p.Leu457=)

Gene: SDHA (succinate dehydrogenase complex flavoprotein subunit A; plus strand). Cytogenetic location: 5p15.33.
Variant type: single nucleotide variant.
Coding change: c.1371C>T on transcript NM_004168.4 (MANE Select); coding-DNA position 1371, C replaced by T.
Protein change: p.Leu457=; no amino-acid change (leucine 457 retained).
Molecular consequence: synonymous variant.
Genome position (GRCh38, 1-based): chr5:236,538, C>T. VCF-style: chr5-236538-C-T. GRCh37 (hg19) VCF-style: chr5-236653-C-T.
Other names: c.1371C>T (NM_004168.2); c.1227C>T, p.Leu409= (NM_001294332.2); c.1371C>T, p.Leu457= (NM_001330758.2).
Identifiers: ClinVar variation 3904577 (VCV003904577.3).